The following is an entry in ClinVar:

ClinVar aggregate classification (germline): Uncertain significance (1 of 4 stars; one submission).

Conditions:
Peroxisome biogenesis disorder, complementation group K (CGK). Identifiers: MedGen C1866257, MONDO:0800365.

Allele frequency attached by ClinVar (database versions not stated): TOPMed 0.00001.
gnomAD v4.1: 3 of 1,613,690 alleles (0.00019%); highest among the groups gnomAD compares: Non-Finnish European, 0.00017%; no homozygotes.

Submission:

Labcorp Genetics (formerly Invitae), Labcorp
Classification: Uncertain significance for Peroxisome biogenesis disorder, complementation group K. Last evaluated: 2024-01-19. Review status: criteria provided, single submitter. Criteria: Invitae Variant Classification Sherloc (09022015). Collection method: clinical testing. Allele origin: germline.
Comment: This sequence change replaces alanine, which is neutral and non-polar, with proline, which is neutral and non-polar, at codon 235 of the PEX14 protein (p.Ala235Pro). This variant is not present in population databases (gnomAD no frequency). This variant has not been reported in the literature in individuals affected with PEX14-related conditions. ClinVar contains an entry for this variant (Variation ID: 1440134). Advanced modeling of protein sequence and biophysical properties (such as structural, functional, and spatial information, amino acid conservation, physicochemical variation, residue mobility, and thermodynamic stability) performed at Invitae indicates that this missense variant is not expected to disrupt PEX14 protein function with a negative predictive value of 80%. In summary, the available evidence is currently insufficient to determine the role of this variant in disease. Therefore, it has been classified as a Variant of Uncertain Significance.

NM_004565.3(PEX14):c.703G>C (p.Ala235Pro)

Gene: PEX14 (peroxisomal biogenesis factor 14; plus strand). Cytogenetic location: 1p36.22.
Variant type: single nucleotide variant.
Coding change: c.703G>C on transcript NM_004565.3 (MANE Select); coding-DNA position 703, G replaced by C.
Protein change: p.Ala235Pro; replaces alanine 235 with proline.
Molecular consequence: missense variant.
Genome position (GRCh38, 1-based): chr1:10,629,556, G>C. VCF-style: chr1-10629556-G-C. GRCh37 (hg19) VCF-style: chr1-10689613-G-C.
Other names: short protein forms A235P.
Identifiers: ClinVar variation 1440134 (VCV001440134.6), dbSNP rs778227279, ClinGen allele CA338338137.